The following is an entry in ClinVar:

ClinVar aggregate classification (germline): Benign/Likely benign. Review status: criteria provided, multiple submitters, no conflicts (2 of 4 stars). 3 submissions from 3 submitters: Benign (1); Likely benign (2). Last evaluated 2026-07-09.

Conditions:
Rhabdoid tumor predisposition syndrome 2 (RTPS2). Identifiers: Orphanet 231108, Orphanet 69077, MedGen C2750074, MONDO:0013224, OMIM 613325.
Hereditary cancer-predisposing syndrome. Also called: Hereditary neoplastic syndrome; Neoplastic Syndromes, Hereditary; Tumor predisposition; Hereditary Cancer Syndrome. Identifiers: Orphanet 140162, MedGen C0027672, MeSH D009386, MONDO:0015356.

Allele frequency attached by ClinVar (database versions not stated): gnomAD exomes below 0.00001.
gnomAD v4.1: 1 of 1,541,458 alleles (0.000065%); highest among the groups gnomAD compares: African/African-American, 0.0014%; no homozygotes.

Submissions (3):

Myriad Genetics, Inc.
Classification: Benign for Rhabdoid tumor predisposition syndrome 2. Last evaluated: 2026-07-09. Review status: criteria provided, single submitter. Criteria: Myriad Autosomal Dominant, Autosomal Recessive and X-Linked Classification Criteria (2023). Collection method: clinical testing. Allele origin: unknown.
Comment: This variant is considered benign. This variant is a silent/synonymous amino acid change and it is not expected to impact splicing.

Labcorp Genetics (formerly Invitae), Labcorp
Classification: Likely benign for Rhabdoid tumor predisposition syndrome 2. Last evaluated: 2025-03-07. Review status: criteria provided, single submitter. Criteria: Invitae Variant Classification Sherloc (09022015). Collection method: clinical testing. Allele origin: germline.

Ambry Genetics
Classification: Likely benign for Hereditary cancer-predisposing syndrome. Last evaluated: 2021-02-18. Review status: criteria provided, single submitter. Criteria: Ambry Variant Classification Scheme 2023. Collection method: clinical testing. Allele origin: germline.

NM_003072.5(SMARCA4):c.699C>T (p.Gly233=)

Gene: SMARCA4 (SWI/SNF related BAF chromatin remodeling complex subunit ATPase 4; plus strand). Cytogenetic location: 19p13.2.
Variant type: single nucleotide variant.
Coding change: c.699C>T on transcript NM_003072.5 (MANE Select); coding-DNA position 699, C replaced by T.
Protein change: p.Gly233=; no amino-acid change (glycine 233 retained).
Molecular consequence: synonymous variant. On other transcripts: non-coding transcript variant (1).
Genome position (GRCh38, 1-based): chr19:10,986,532, C>T. VCF-style: chr19-10986532-C-T. GRCh37 (hg19) VCF-style: chr19-11097208-C-T.
Other names: c.699C>T, p.Gly233= (NM_001128844.3, NM_001128845.2, NM_001128846.2 and 6 more transcripts).
Identifiers: ClinVar variation 1756515 (VCV001756515.8), dbSNP rs1216686885, ClinGen allele CA505744083.